The following is an entry in ClinVar:

NM_000550.3(TYRP1):c.11C>T (p.Pro4Leu)

Gene: TYRP1 (tyrosinase related protein 1; plus strand). Cytogenetic location: 9p23.
Variant type: single nucleotide variant.
Coding change: c.11C>T on transcript NM_000550.3 (MANE Select); coding-DNA position 11, C replaced by T.
Protein change: p.Pro4Leu; replaces proline 4 with leucine.
Molecular consequence: missense variant.
Genome position (GRCh38, 1-based): chr9:12,694,007, C>T. VCF-style: chr9-12694007-C-T. GRCh37 (hg19) VCF-style: chr9-12694007-C-T.
Other names: c.11C>T (NM_000550.2); short protein forms P4L.
Identifiers: ClinVar variation 1482767 (VCV001482767.6), dbSNP rs1347421158, ClinGen allele CA372935937.

ClinVar aggregate classification (germline): Uncertain significance. Review status: criteria provided, multiple submitters, no conflicts (2 of 4 stars). 2 submissions from 2 submitters: Uncertain significance (2). Last evaluated 2025-03-22.

Conditions:
Inborn genetic diseases. Identifiers: MedGen C0950123, MeSH D030342.

Allele frequency attached by ClinVar (database versions not stated): gnomAD 0.00001; TOPMed 0.00001; gnomAD exomes below 0.00001.
gnomAD v4.1: 3 of 1,613,816 alleles (0.00019%); highest among the groups gnomAD compares: Admixed American, 0.005%; no homozygotes.

Submissions (2):

Ambry Genetics
Classification: Uncertain significance for Inborn genetic diseases. Last evaluated: 2025-03-22. Review status: criteria provided, single submitter. Criteria: Ambry Variant Classification Scheme 2023. Collection method: clinical testing. Allele origin: germline.

Labcorp Genetics (formerly Invitae), Labcorp
Classification: Uncertain significance. Last evaluated: 2022-11-01. Review status: criteria provided, single submitter. Criteria: Invitae Variant Classification Sherloc (09022015). Collection method: clinical testing. Allele origin: germline.
Comment: This sequence change replaces proline, which is neutral and non-polar, with leucine, which is neutral and non-polar, at codon 4 of the TYRP1 protein (p.Pro4Leu). This variant is present in population databases (no rsID available, gnomAD 0.006%). This variant has not been reported in the literature in individuals affected with TYRP1-related conditions. ClinVar contains an entry for this variant (Variation ID: 1482767). Algorithms developed to predict the effect of missense changes on protein structure and function (SIFT, PolyPhen-2, Align-GVGD) all suggest that this variant is likely to be tolerated. In summary, the available evidence is currently insufficient to determine the role of this variant in disease. Therefore, it has been classified as a Variant of Uncertain Significance.